The following is an entry in ClinVar:

NM_000353.3(TAT):c.1173G>A (p.Glu391=)

Genes: TAT (tyrosine aminotransferase; minus strand), TAT-AS1 (TAT antisense RNA 1; plus strand). Cytogenetic location: 16q22.2.
Variant type: single nucleotide variant.
Coding change: c.1173G>A on transcript NM_000353.3 (MANE Select); coding-DNA position 1173, G replaced by A.
Protein change: p.Glu391=; no amino-acid change (glutamic acid 391 retained).
Molecular consequence: synonymous variant.
Genome position (GRCh38, 1-based): chr16:71,568,762, C>T on the plus strand (G>A on the coding strand, the complement: TAT is on the minus strand). VCF-style: chr16-71568762-C-T. GRCh37 (hg19) VCF-style: chr16-71602665-C-T.
Identifiers: ClinVar variation 320404 (VCV000320404.14), dbSNP rs16973331, ClinGen allele CA8153759.
Genomic context (GRCh38, chr16:71,568,762, plus strand): 5'-GGCACCCACCGTTGCTGGGAGGCAGTGGACAGACTGCTCAGCAACTAACCGCTCCGTGAA[C>T]TCCACATCGTTCTCAAATTCTGGGAAATGTTCCATCTCAATTCCAACCTATACCAACAGG-3'
Protein context (NP_000344.1, residues 381-401): EHFPEFENDV[Glu391=]FTERLVAEQS

ClinVar aggregate classification (germline): Benign. Review status: criteria provided, multiple submitters, no conflicts (2 of 4 stars). 4 submissions from 4 submitters: Benign (4). Last evaluated 2026-02-04.

Conditions:
Tyrosinemia type II (TYRSN2). Also called: KERATOSIS PALMOPLANTARIS WITH CORNEAL DYSTROPHY; OREGON TYPE TYROSINEMIA; TAT DEFICIENCY; TYROSINE AMINOTRANSFERASE DEFICIENCY; TYROSINE TRANSAMINASE DEFICIENCY. Identifiers: Orphanet 28378, MedGen C0268487, MONDO:0010160, OMIM 276600.

Allele frequency attached by ClinVar (database versions not stated): gnomAD exomes 0.00348 and 0.00987; ExAC 0.01235; gnomAD 0.03761 and 0.04038; 1000 Genomes Project 0.03774; TOPMed 0.04208; 1000 Genomes Project 30x 0.04247; ESP Exome Variant Server 0.04355.
gnomAD v4.1: 11,033 of 1,614,008 alleles (0.68%); highest among the groups gnomAD compares: African/African-American, 13%; 638 homozygotes.

Submissions (4):

Labcorp Genetics (formerly Invitae), Labcorp
Classification: Benign for Tyrosinemia type II. Last evaluated: 2026-02-04. Review status: criteria provided, single submitter. Criteria: Invitae Variant Classification Sherloc (09022015). Collection method: clinical testing. Allele origin: germline.

Illumina Laboratory Services, Illumina
Classification: Benign for Tyrosinemia type II. Last evaluated: 2018-01-12. Review status: criteria provided, single submitter. Criteria: ICSL Variant Classification Criteria 13 December 2019. Collection method: clinical testing. Allele origin: germline.
Comment: This variant was observed in the ICSL laboratory as part of a predisposition screen in an ostensibly healthy population. It had not been previously curated by ICSL or reported in the Human Gene Mutation Database (HGMD: prior to June 1st, 2018), and was therefore a candidate for classification through an automated scoring system. Utilizing variant allele frequency, disease prevalence and penetrance estimates, and inheritance mode, an automated score was calculated to assess if this variant is too frequent to cause the disease. Based on the score and internal cut-off values, a variant classified as benign is not then subjected to further curation. The score for this variant resulted in a classification of benign for this disease.

GeneDx
Classification: Benign. Last evaluated: 2016-05-16. Review status: criteria provided, single submitter. Criteria: GeneDx Variant Classification (06012015). Collection method: clinical testing. Allele origin: germline. Affected: yes.
Comment: This variant is considered likely benign or benign based on one or more of the following criteria: it is a conservative change, it occurs at a poorly conserved position in the protein, it is predicted to be benign by multiple in silico algorithms, and/or has population frequency not consistent with disease.

Breakthrough Genomics
Classification: Benign. Review status: criteria provided, single submitter. Criteria: ACMG Guidelines, 2015. Collection method: not provided. Allele origin: germline. Inheritance: Autosomal recessive inheritance. Affected: yes.